The following is an entry in ClinVar:

NM_001165963.4(SCN1A):c.5330T>C (p.Val1777Ala)

Genes: SCN1A (sodium voltage-gated channel alpha subunit 1; minus strand), LOC102724058 (uncharacterized LOC102724058; plus strand). Cytogenetic location: 2q24.3.
Variant type: single nucleotide variant.
Coding change: c.5330T>C on transcript NM_001165963.4 (MANE Select); coding-DNA position 5330, T replaced by C.
Protein change: p.Val1777Ala; replaces valine 1777 with alanine.
Molecular consequence: missense variant. On other transcripts: non-coding transcript variant (1).
Genome position (GRCh38, 1-based): chr2:165,991,945, A>G on the plus strand (T>C on the coding strand, the complement: SCN1A is on the minus strand). VCF-style: chr2-165991945-A-G. GRCh37 (hg19) VCF-style: chr2-166848455-A-G.
Other names: c.5246T>C, p.Val1749Ala (NM_001165964.3, NM_001353957.2, NM_001353958.2); c.5330T>C, p.Val1777Ala (NM_001202435.3, NM_001353948.2); c.5297T>C, p.Val1766Ala (NM_001353949.2, NM_001353950.2, NM_001353951.2 and 2 more transcripts); c.5294T>C, p.Val1765Ala (NM_001353954.2, NM_001353955.2); c.5243T>C, p.Val1748Ala (NM_001353960.2); c.2888T>C, p.Val963Ala (NM_001353961.2); short protein forms V1749A, V1765A, V963A, V1766A, V1748A, V1777A.
Identifiers: ClinVar variation 953613 (VCV000953613.11), dbSNP rs1689245014, ClinGen allele CA349068152.
Genomic context (GRCh38, chr2:165,991,945, plus strand): 5'-GCACTTTCTTCAGTAGCAACACTGAAGTTCTCCAGGATGACCGCGATGTACATGTTCACC[A>G]CAACCAGGAAGGATATGATGATGTAACTGACAAAAAAGAAAATTCCAACAGATGGGTTCC-3'
Protein context (NP_001159435.1, residues 1767-1787): VSYIIISFLV[Val1777Ala]VNMYIAVILE

ClinVar aggregate classification (germline): Conflicting classifications of pathogenicity. Review status: criteria provided, conflicting classifications (1 of 4 stars). 2 submissions from 2 submitters: Pathogenic (1); Uncertain significance (1). Last evaluated 2025-09-15.

Conditions:
Early-infantile DEE. Also called: Early infantile epileptic encephalopathy; Ohtahara syndrome; Early infantile epileptic encephalopathy with suppression bursts. Identifiers: Orphanet 1934, MedGen C0393706, MONDO:0800491.

Submissions (2):

Labcorp Genetics (formerly Invitae), Labcorp
Classification: Uncertain significance for Early-infantile DEE. Last evaluated: 2025-09-15. Review status: criteria provided, single submitter. Criteria: Invitae Variant Classification Sherloc (09022015). Collection method: clinical testing. Allele origin: germline.
Comment: This sequence change replaces valine, which is neutral and non-polar, with alanine, which is neutral and non-polar, at codon 1777 of the SCN1A protein (p.Val1777Ala). This variant is not present in population databases (gnomAD no frequency). This missense change has been observed in individual(s) with clinical features of SCN1A-related conditions (PMID: 33057194, 35982159). ClinVar contains an entry for this variant (Variation ID: 953613). Invitae Evidence Modeling of protein sequence and biophysical properties (such as structural, functional, and spatial information, amino acid conservation, physicochemical variation, residue mobility, and thermodynamic stability) indicates that this missense variant is expected to disrupt SCN1A protein function with a positive predictive value of 95%. In summary, the available evidence is currently insufficient to determine the role of this variant in disease. Therefore, it has been classified as a Variant of Uncertain Significance.

GeneDx
Classification: Pathogenic. Last evaluated: 2023-03-27. Review status: criteria provided, single submitter. Criteria: GeneDx Variant Classification Process June 2021. Collection method: clinical testing. Allele origin: germline. Affected: yes.
Comment: Not observed at significant frequency in large population cohorts (gnomAD); Missense variants in this gene are often considered pathogenic (HGMD); This substitution is predicted to be within the transmembrane segment S6 of the fourth homologous domain; Has not been previously published as pathogenic or benign to our knowledge; In silico analysis supports that this missense variant has a deleterious effect on protein structure/function

Literature cited by the submitters: PubMed 33057194 (cited by Labcorp Genetics (formerly Invitae), Labcorp); PubMed 35982159 (cited by Labcorp Genetics (formerly Invitae), Labcorp).